The following is an entry in ClinVar:

NM_001029896.2(WDR45):c.317T>C (p.Leu106Pro)

Gene: WDR45 (WD repeat domain 45; minus strand). Cytogenetic location: Xp11.23.
Variant type: single nucleotide variant.
Coding change: c.317T>C on transcript NM_001029896.2 (MANE Select); coding-DNA position 317, T replaced by C.
Protein change: p.Leu106Pro; replaces leucine 106 with proline.
Molecular consequence: missense variant.
Genome position (GRCh38, 1-based): chrX:49,076,669, A>G on the plus strand (T>C on the coding strand, the complement: WDR45 is on the minus strand). VCF-style: chrX-49076669-A-G. GRCh37 (hg19) VCF-style: chrX-48934328-A-G.
Other names: c.320T>C, p.Leu107Pro (NM_007075.4); short protein forms L107P, L106P.
Identifiers: ClinVar variation 540350 (VCV000540350.8), dbSNP rs1557084306, ClinGen allele CA412946722.

ClinVar aggregate classification (germline): Uncertain significance (1 of 4 stars; one submission).

Conditions:
Neurodegeneration with brain iron accumulation 5 (NBIA5). Also called: STATIC ENCEPHALOPATHY OF CHILDHOOD WITH NEURODEGENERATION IN ADULTHOOD; Beta-propeller protein-associated neurodegeneration. Identifiers: Orphanet 329284, MedGen C3550973, MONDO:0010476, OMIM 300894.

Submission:

Labcorp Genetics (formerly Invitae), Labcorp
Classification: Uncertain significance for Neurodegeneration with brain iron accumulation 5. Last evaluated: 2017-08-08. Review status: criteria provided, single submitter. Criteria: Invitae Variant Classification Sherloc (09022015). Collection method: clinical testing. Allele origin: germline.
Comment: This sequence change replaces leucine with proline at codon 107 of the WDR45 protein (p.Leu107Pro). The leucine residue is highly conserved and there is a moderate physicochemical difference between leucine and proline. This variant is not present in population databases (ExAC no frequency). This variant has not been reported in the literature in individuals with WDR45-related disease. Algorithms developed to predict the effect of missense changes on protein structure and function do not agree on the potential impact of this missense change (SIFT: "Tolerate"; PolyPhen-2: "Probably damaging"; Align-GVGD: "Class C0"). In summary, the available evidence is currently insufficient to determine the role of this variant in disease. Therefore, it has been classified as a Variant of Uncertain Significance.